The following is an entry in ClinVar:

NM_006493.4(CLN5):c.956_957del (p.Lys319fs)

Gene: CLN5 (CLN5 lysosomal BMP synthase; plus strand). Cytogenetic location: 13q22.3.
Variant type: Deletion.
Coding change: c.956_957del on transcript NM_006493.4 (MANE Select); coding-DNA positions 956 to 957, 2 bases deleted (AA; older notation c.956_957delAA).
Protein change: p.Lys319fs; shifts the reading frame from lysine 319.
Molecular consequence: frameshift variant. On other transcripts: 3 prime UTR variant (1).
Genome position (GRCh38, 1-based): chr13:77,000,848-77,000,849, AA deleted; deleting any 2 consecutive bases within chr13:77,000,847-77,000,849 gives the same sequence; the c. name uses the placement nearest the transcript's 3' end. VCF-style (leftmost placement, unchanged base first): chr13-77000846-CAA-C. GRCh37 (hg19) VCF-style: chr13-77574981-CAA-C.
Other names: c.*405_*406del (NM_001366624.2); short protein forms K319fs.
Identifiers: ClinVar variation 1451889 (VCV001451889.6), dbSNP rs2154035196, ClinGen allele CA2573149758.

ClinVar aggregate classification (germline): Pathogenic (1 of 4 stars; one submission).

Conditions:
Neuronal ceroid lipofuscinosis. Also called: Neuronal Ceroid Lipofuscinoses. Identifiers: Orphanet 216, Orphanet 79263, MedGen C0027877, MONDO:0016295. Disease mechanism: loss of function.

Submission:

Labcorp Genetics (formerly Invitae), Labcorp
Classification: Pathogenic for Neuronal ceroid lipofuscinosis. Last evaluated: 2021-10-14. Review status: criteria provided, single submitter. Criteria: Invitae Variant Classification Sherloc (09022015). Collection method: clinical testing. Allele origin: germline.
Comment: This sequence change creates a premature translational stop signal (p.Lys368Thrfs*7) in the CLN5 gene. While this is not anticipated to result in nonsense mediated decay, it is expected to disrupt the last 40 amino acid(s) of the CLN5 protein. This variant is not present in population databases (ExAC no frequency). For these reasons, this variant has been classified as Pathogenic. This variant disrupts a region of the CLN5 protein in which other variant(s) (p.Tyr392*) have been determined to be pathogenic (PMID: 9662406). This suggests that this is a clinically significant region of the protein, and that variants that disrupt it are likely to be disease-causing. This variant has not been reported in the literature in individuals affected with CLN5-related conditions.

Literature cited by the submitters: PubMed 9662406.